The following is an entry in ClinVar:

NM_001206927.2(DNAH8):c.13402C>T (p.Leu4468Phe)

Gene: DNAH8 (dynein axonemal heavy chain 8; plus strand). Cytogenetic location: 6p21.2.
Variant type: single nucleotide variant.
Coding change: c.13402C>T on transcript NM_001206927.2 (MANE Select); coding-DNA position 13402, C replaced by T.
Protein change: p.Leu4468Phe; replaces leucine 4468 with phenylalanine.
Molecular consequence: missense variant.
Genome position (GRCh38, 1-based): chr6:39,012,245, C>T. VCF-style: chr6-39012245-C-T. GRCh37 (hg19) VCF-style: chr6-38980021-C-T.
Other names: c.12751C>T, p.Leu4251Phe (NM_001371.4); short protein forms L4468F, L4251F.
Identifiers: ClinVar variation 576153 (VCV000576153.6), dbSNP rs200138700, ClinGen allele CA3791668.
Genomic context (GRCh38, chr6:39,012,245, plus strand): 5'-TCCTTTATTGCATTGTTTACTTTGTTTTAGGTGAAATCTCGTTTGATAAAGATGGGCCAT[C>T]TTAATTCAATGAACATATTTCTTAGACAAGAAATTGACAGAATGCAAAGAGTCATTTCAA-3'
Protein context (NP_001193856.1, residues 4458-4478): VKSRLIKMGH[Leu4468Phe]NSMNIFLRQE

ClinVar aggregate classification (germline): Uncertain significance (1 of 4 stars; one submission).

Conditions:
Primary ciliary dyskinesia. Also called: Ciliary dyskinesia. Identifiers: Orphanet 244, MedGen C0008780, MONDO:0016575, HP:0012265.

Allele frequency attached by ClinVar (database versions not stated): gnomAD 0.00002; ExAC 0.00003; gnomAD exomes 0.00003 and 0.00004; TOPMed 0.00004.
gnomAD v4.1: 54 of 1,611,082 alleles (0.0034%); highest among the groups gnomAD compares: Non-Finnish European, 0.0012%; no homozygotes.

Submission:

Labcorp Genetics (formerly Invitae), Labcorp
Classification: Uncertain significance for Primary ciliary dyskinesia. Last evaluated: 2021-09-01. Review status: criteria provided, single submitter. Criteria: Invitae Variant Classification Sherloc (09022015). Collection method: clinical testing. Allele origin: germline.
Comment: This sequence change replaces leucine with phenylalanine at codon 4468 of the DNAH8 protein (p.Leu4468Phe). The leucine residue is moderately conserved and there is a small physicochemical difference between leucine and phenylalanine. This variant is present in population databases (rs200138700, ExAC 0.006%). This variant has not been reported in the literature in individuals affected with DNAH8-related conditions. Algorithms developed to predict the effect of missense changes on protein structure and function are either unavailable or do not agree on the potential impact of this missense change (SIFT: "Deleterious"; PolyPhen-2: "Not Available"; Align-GVGD: "Class C0"). In summary, the available evidence is currently insufficient to determine the role of this variant in disease. Therefore, it has been classified as a Variant of Uncertain Significance.